The following is an entry in ClinVar:

NM_001042492.3(NF1):c.4103T>C (p.Leu1368Ser)

Gene: NF1 (neurofibromin 1; plus strand). Cytogenetic location: 17q11.2.
Variant type: single nucleotide variant.
Coding change: c.4103T>C on transcript NM_001042492.3 (MANE Select); coding-DNA position 4103, T replaced by C.
Protein change: p.Leu1368Ser; replaces leucine 1368 with serine.
Molecular consequence: missense variant.
Genome position (GRCh38, 1-based): chr17:31,249,112, T>C. VCF-style: chr17-31249112-T-C. GRCh37 (hg19) VCF-style: chr17-29576130-T-C.
Other names: c.4103T>C, p.Leu1368Ser (NM_000267.4); short protein forms L1368S.
Identifiers: ClinVar variation 824597 (VCV000824597.13), dbSNP rs1597735265, ClinGen allele CA398995092.

ClinVar aggregate classification (germline): Uncertain significance. Review status: criteria provided, multiple submitters, no conflicts (2 of 4 stars). 4 submissions from 4 submitters: Uncertain significance (4). Last evaluated 2025-11-17.

Conditions:
Neurofibromatosis, type 1 (NF1). Also called: Neurofibromatosis, type I; Peripheral type neurofibromatosis; VON RECKLINGHAUSEN DISEASE; NEUROFIBROMATOSIS, TYPE I, SOMATIC. Identifiers: Orphanet 636, MedGen C0027831, MONDO:0018975, OMIM 162200. Disease mechanism: loss of function.
Hereditary cancer-predisposing syndrome. Also called: Neoplastic Syndromes, Hereditary; Hereditary Cancer Syndrome; Hereditary neoplastic syndrome; Tumor predisposition. Identifiers: Orphanet 140162, MedGen C0027672, MeSH D009386, MONDO:0015356.
Cardiovascular phenotype. Identifiers: MedGen CN230736.

Allele frequency attached by ClinVar (database versions not stated): gnomAD exomes below 0.00001.
gnomAD v4.1: 2 of 1,614,022 alleles (0.00012%); highest among the groups gnomAD compares: East Asian, 0.0022%; no homozygotes.

Submissions (4):

Labcorp Genetics (formerly Invitae), Labcorp
Classification: Uncertain significance for Neurofibromatosis, type 1. Last evaluated: 2025-11-17. Review status: criteria provided, single submitter. Criteria: Invitae Variant Classification Sherloc (09022015). Collection method: clinical testing. Allele origin: germline.
Comment: This sequence change replaces leucine, which is neutral and non-polar, with serine, which is neutral and polar, at codon 1368 of the NF1 protein (p.Leu1368Ser). This variant is not present in population databases (gnomAD no frequency). This variant has not been reported in the literature in individuals affected with NF1-related conditions. ClinVar contains an entry for this variant (Variation ID: 824597). Invitae Evidence Modeling of protein sequence and biophysical properties (such as structural, functional, and spatial information, amino acid conservation, physicochemical variation, residue mobility, and thermodynamic stability) indicates that this missense variant is expected to disrupt NF1 protein function with a positive predictive value of 95%. In summary, the available evidence is currently insufficient to determine the role of this variant in disease. Therefore, it has been classified as a Variant of Uncertain Significance.

Genome-Nilou Lab
Classification: Uncertain significance for Neurofibromatosis, type 1. Last evaluated: 2022-03-15. Review status: criteria provided, single submitter. Criteria: ACMG Guidelines, 2015. Collection method: clinical testing. Allele origin: germline. Affected: no.

Institute for Clinical Genetics, University Hospital TU Dresden, University Hospital TU Dresden
Classification: Uncertain significance. Last evaluated: 2021-11-03. Review status: criteria provided, single submitter. Criteria: ACMG Guidelines, 2015. Collection method: clinical testing. Allele origin: germline.

Ambry Genetics
Classification: Uncertain significance for Cardiovascular phenotype; Hereditary cancer-predisposing syndrome. Last evaluated: 2019-02-23. Review status: criteria provided, single submitter. Criteria: Ambry Variant Classification Scheme 2023. Collection method: clinical testing. Allele origin: germline.
Comment: The p.L1368S variant (also known as c.4103T>C), located in coding exon 30 of the NF1 gene, results from a T to C substitution at nucleotide position 4103. The leucine at codon 1368 is replaced by serine, an amino acid with dissimilar properties. This amino acid position is highly conserved in available vertebrate species. In addition, this alteration is predicted to be deleterious by in silico analysis. Since supporting evidence is limited at this time, the clinical significance of this alteration remains unclear.